The following is an entry in ClinVar:

ClinVar aggregate classification (germline): Uncertain significance (1 of 4 stars; one submission).

Conditions:
Inborn genetic diseases. Identifiers: MedGen C0950123, MeSH D030342.

gnomAD v4.1: 10 of 1,551,702 alleles (0.00064%); highest among the groups gnomAD compares: South Asian, 0.0059%; no homozygotes.

Submission:

Ambry Genetics
Classification: Uncertain significance for Inborn genetic diseases. Last evaluated: 2026-07-02. Review status: criteria provided, single submitter. Criteria: Ambry Variant Classification Scheme 2023. Collection method: clinical testing. Allele origin: germline.
Comment: The c.182G>A (p.R61K) alteration is located in exon 2 (coding exon 2) of the CAMSAP1 gene. This alteration results from a G to A substitution at nucleotide position 182, causing the arginine (R) at amino acid position 61 to be replaced by a lysine (K). Based on data from gnomAD, the A allele has an overall frequency of 0.001% (1/156432) total alleles studied. The highest observed frequency was 0.013% (1/7916) of African alleles. Based on insufficient or conflicting evidence, the clinical significance of this alteration remains unclear.

NM_015447.4(CAMSAP1):c.182G>A (p.Arg61Lys)

Gene: CAMSAP1 (calmodulin regulated spectrin associated protein 1; minus strand). Cytogenetic location: 9q34.3.
Variant type: single nucleotide variant.
Coding change: c.182G>A on transcript NM_015447.4 (MANE Select); coding-DNA position 182, G replaced by A.
Protein change: p.Arg61Lys; replaces arginine 61 with lysine.
Molecular consequence: missense variant. On other transcripts: 5 prime UTR variant (1), intron variant (2).
Genome position (GRCh38, 1-based): chr9:135,883,057, C>T on the plus strand (G>A on the coding strand, the complement: CAMSAP1 is on the minus strand). VCF-style: chr9-135883057-C-T. GRCh37 (hg19) VCF-style: chr9-138774903-C-T.
Other names: c.-511G>A (NM_001411031.1); c.182G>A, p.Arg61Lys (NM_001437279.1); c.-12-16521G>A (NM_001437281.1); c.-9-1263G>A (NM_001437280.1); short protein forms R61K.
Identifiers: ClinVar variation 5033661 (VCV005033661.1).